The following is an entry in ClinVar:

NM_170601.5(SIAE):c.1141A>C (p.Lys381Gln)

Gene: SIAE (sialic acid acetylesterase; minus strand). Cytogenetic location: 11q24.2.
Variant type: single nucleotide variant.
Coding change: c.1141A>C on transcript NM_170601.5 (MANE Select); coding-DNA position 1141, A replaced by C.
Protein change: p.Lys381Gln; replaces lysine 381 with glutamine.
Molecular consequence: missense variant.
Genome position (GRCh38, 1-based): chr11:124,638,721, T>G on the plus strand (A>C on the coding strand, the complement: SIAE is on the minus strand). VCF-style: chr11-124638721-T-G. GRCh37 (hg19) VCF-style: chr11-124508617-T-G.
Other names: c.1141A>C (NM_170601.4); c.1036A>C, p.Lys346Gln (NM_001199922.2); short protein forms K346Q, K381Q.
Identifiers: ClinVar variation 1910889 (VCV001910889.6), dbSNP rs1366403804, ClinGen allele CA383144908.

ClinVar aggregate classification (germline): Uncertain significance. Review status: criteria provided, multiple submitters, no conflicts (2 of 4 stars). 2 submissions from 2 submitters: Uncertain significance (2). Last evaluated 2025-10-22.

Allele frequency attached by ClinVar (database versions not stated): gnomAD exomes below 0.00001; TOPMed below 0.00001; gnomAD 0.00001.
gnomAD v4.1: 3 of 1,613,960 alleles (0.00019%); highest among the groups gnomAD compares: African/African-American, 0.004%; no homozygotes.

Submissions (2):

Ambry Genetics
Classification: Uncertain significance. Last evaluated: 2025-10-22. Review status: criteria provided, single submitter. Criteria: Ambry Variant Classification Scheme 2023. Collection method: clinical testing. Allele origin: germline.

Labcorp Genetics (formerly Invitae), Labcorp
Classification: Uncertain significance. Last evaluated: 2022-04-22. Review status: criteria provided, single submitter. Criteria: Invitae Variant Classification Sherloc (09022015). Collection method: clinical testing. Allele origin: germline.
Comment: In summary, the available evidence is currently insufficient to determine the role of this variant in disease. Therefore, it has been classified as a Variant of Uncertain Significance. Algorithms developed to predict the effect of missense changes on protein structure and function (SIFT, PolyPhen-2, Align-GVGD) all suggest that this variant is likely to be disruptive. This variant has not been reported in the literature in individuals affected with SIAE-related conditions. This variant is present in population databases (no rsID available, gnomAD 0.01%). This sequence change replaces lysine, which is basic and polar, with glutamine, which is neutral and polar, at codon 381 of the SIAE protein (p.Lys381Gln).